The following is an entry in ClinVar:

ClinVar aggregate classification (germline): Conflicting classifications of pathogenicity. Review status: criteria provided, conflicting classifications (1 of 4 stars). 2 submissions from 2 submitters: Likely pathogenic (1); Uncertain significance (1). Last evaluated 2026-07-30.

Conditions:
Biotin-responsive basal ganglia disease (BTBGD). Also called: Thiamine metabolism dysfunction syndrome type 2; Thiamine Transporter-2 Deficiency; THIAMINE METABOLISM DYSFUNCTION SYNDROME 2 (BIOTIN- AND THIAMINE-RESPONSIVE TYPE); Thiamine metabolism dysfunction syndrome 2 (biotin- or thiamine-responsive encephalopathy type 2); thiamine-responsive encephalopathy. Identifiers: Orphanet 199348, Orphanet 65284, MedGen C1843807, MONDO:0011841, OMIM 607483.

Allele frequency attached by ClinVar (database versions not stated): gnomAD exomes below 0.00001.
gnomAD v4.1: 2 of 1,613,988 alleles (0.00012%); highest among the groups gnomAD compares: Non-Finnish European, 0.00017%; no homozygotes.

Submissions (2):

GeneDx
Classification: Likely pathogenic. Last evaluated: 2026-07-30. Review status: criteria provided, single submitter. Criteria: GeneDx Variant Classification Process June 2021. Collection method: clinical testing. Allele origin: germline.
Comment: Not observed at significant frequency in large population cohorts (gnomAD); In silico analysis supports that this missense variant has a deleterious effect on protein structure/function; Has not been previously published as pathogenic or benign to our knowledge

Labcorp Genetics (formerly Invitae), Labcorp
Classification: Uncertain significance for Biotin-responsive basal ganglia disease. Last evaluated: 2020-09-15. Review status: criteria provided, single submitter. Criteria: Invitae Variant Classification Sherloc (09022015). Collection method: clinical testing. Allele origin: germline.
Comment: In summary, the available evidence is currently insufficient to determine the role of this variant in disease. Therefore, it has been classified as a Variant of Uncertain Significance. Algorithms developed to predict the effect of missense changes on protein structure and function (SIFT, PolyPhen-2, Align-GVGD) all suggest that this variant is likely to be tolerated, but these predictions have not been confirmed by published functional studies and their clinical significance is uncertain. This variant has not been reported in the literature in individuals with SLC19A3-related conditions. This variant is not present in population databases (ExAC no frequency). This sequence change replaces glycine with glutamic acid at codon 451 of the SLC19A3 protein (p.Gly451Glu). The glycine residue is highly conserved and there is a moderate physicochemical difference between glycine and glutamic acid.

NM_025243.4(SLC19A3):c.1352G>A (p.Gly451Glu)

Gene: SLC19A3 (solute carrier family 19 member 3; minus strand). Cytogenetic location: 2q36.3.
Variant type: single nucleotide variant.
Coding change: c.1352G>A on transcript NM_025243.4 (MANE Select); coding-DNA position 1352, G replaced by A.
Protein change: p.Gly451Glu; replaces glycine 451 with glutamic acid.
Molecular consequence: missense variant.
Genome position (GRCh38, 1-based): chr2:227,687,536, C>T on the plus strand (G>A on the coding strand, the complement: SLC19A3 is on the minus strand). VCF-style: chr2-227687536-C-T. GRCh37 (hg19) VCF-style: chr2-228552252-C-T.
Other names: c.1352G>A (NM_025243.3); c.1352G>A, p.Gly451Glu (NM_001371411.1, NM_001371412.1); c.1340G>A, p.Gly447Glu (NM_001371413.1, NM_001371414.1); short protein forms G447E, G451E.
Identifiers: ClinVar variation 1021407 (VCV001021407.11), dbSNP rs1559241677, ClinGen allele CA350875235.